The following is an entry in ClinVar:

ClinVar aggregate classification (germline): Likely pathogenic (1 of 4 stars; one submission).

Conditions:
Familial cancer of breast. Also called: Hereditary breast cancer; BREAST CANCER, FAMILIAL; hereditary breast carcinoma. Identifiers: Orphanet 227535, MedGen C0346153, MONDO:0016419, OMIM 114480. Disease mechanism: loss of function.
Fanconi anemia complementation group J. Also called: BRIP1-Related Fanconi Anemia. Identifiers: Orphanet 84, MedGen C1836860, MONDO:0012187, OMIM 609054.

Submission:

Labcorp Genetics (formerly Invitae), Labcorp
Classification: Likely pathogenic for Familial cancer of breast; Fanconi anemia complementation group J. Last evaluated: 2017-05-05. Review status: criteria provided, single submitter. Criteria: Invitae Variant Classification Sherloc (09022015). Collection method: clinical testing. Allele origin: germline.
Comment: This variant has not been reported in the literature in individuals with a BRIP1-related disease. This sequence change is a gross deletion of the genomic region including exon 8 of the BRIP1 gene. This deletion removes a portion of intron 7 and extends through the first 203 nucleotides of exon 8 (c.918+2790_1121del). Since this deletion removes the exon 8 splice acceptor site and the majority of exon 8, the exact effect of this variant on the BRIP1 protein cannot be determined. It is possible that the an in-frame deletion may be generated that encompasses the entire exon 8 due to exon skipping. Alternatively, since the 3' breakpoint of the deletion lies within codon 374 of the BRIP1 protein, a frameshift could be generated, thus creating a premature translational stop signal which would be expected to result in an absent or disrupted protein product. This gross deletion results in the loss of amino acids 307-374. This removes nearly all of the iron-sulfur (Fe-S) cluster binding domain of BRIP1, including two of the four conserved cysteine residues within that domain (PMID: 16973432). Also, this deletion removes the Ala349 amino acid, which has been shown to be mutated in a patient with Fanconi anemia (PMID: 16116424), and is predicted to abolish BRIP1 helicase activity (PMID: 16973432). These results indicate that this exon encodes a necessary part of the BRIP1 gene product. In summary, this variant is a rare gross deletion that removes a critical region in the BRIP1 protein. This evidence indicates that the variant is pathogenic, but additional data is needed to prove that conclusively. Therefore, this variant has been classified as Likely Pathogenic.

Literature cited by the submitters: PubMed 16973432; PubMed 16116424.

NC_000017.10:g.(?_59878633)_(59883057_?)del

Gene: BRIP1 (BRCA1 interacting DNA helicase 1; minus strand). Cytogenetic location: 17q23.2.
Variant type: Deletion.
Identifiers: ClinVar variation 1065939 (VCV001065939.4).